The following is an entry in ClinVar:

NM_000709.4(BCKDHA):c.995+26C>T

Gene: BCKDHA (branched chain keto acid dehydrogenase E1 subunit alpha; plus strand). Cytogenetic location: 19q13.2.
Variant type: single nucleotide variant.
Coding change: c.995+26C>T on transcript NM_000709.4 (MANE Select); 26 bases into the intron after coding-DNA position 995, C replaced by T.
Molecular consequence: intron variant.
Genome position (GRCh38, 1-based): chr19:41,422,796, C>T. VCF-style: chr19-41422796-C-T. GRCh37 (hg19) VCF-style: chr19-41928701-C-T.
Other names: p.?; c.992+26C>T (NM_001164783.2).
Identifiers: ClinVar variation 93386 (VCV000093386.10), dbSNP rs284653, ClinGen allele CA146881.

ClinVar aggregate classification (germline): Benign/Likely benign. Review status: criteria provided, multiple submitters, no conflicts (2 of 4 stars). 6 submissions from 6 submitters: Benign (4); Likely benign (2). Last evaluated 2021-10-03.

Conditions:
Maple syrup urine disease (MSUD). Identifiers: Orphanet 511, MedGen C0024776, MeSH D008375, MONDO:0009563. Disease mechanism: loss of function.

Allele frequency attached by ClinVar (database versions not stated): 1000 Genomes Project 0.25739; 1000 Genomes Project 30x 0.25843; TOPMed 0.35680; gnomAD 0.36906 and 0.37723; ExAC 0.37220; gnomAD exomes 0.37393 and 0.42011; ESP Exome Variant Server 0.38244.
gnomAD v4.1: 667,700 of 1,611,234 alleles (41%); highest among the groups gnomAD compares: Non-Finnish European, 45%; 144,759 homozygotes.

Submissions (6):

Mayo Clinic Laboratories, Mayo Clinic
Classification: Benign. Last evaluated: 2021-10-03. Review status: criteria provided, single submitter. Criteria: ACMG Guidelines, 2015. Collection method: clinical testing. Allele origin: germline. Observed: 16 variant alleles.

Genome-Nilou Lab
Classification: Benign for Maple syrup urine disease type 1A. Last evaluated: 2021-06-10. Review status: criteria provided, single submitter. Criteria: ACMG Guidelines, 2015. Collection method: clinical testing. Allele origin: germline. Affected: no.

GeneDx
Classification: Benign. Last evaluated: 2018-06-14. Review status: criteria provided, single submitter. Criteria: GeneDx Variant Classification (06012015). Collection method: clinical testing. Allele origin: germline. Affected: yes.
Comment: This variant is considered likely benign or benign based on one or more of the following criteria: it is a conservative change, it occurs at a poorly conserved position in the protein, it is predicted to be benign by multiple in silico algorithms, and/or has population frequency not consistent with disease.

Eurofins Ntd Llc (ga)
Classification: Benign. Last evaluated: 2013-08-23. Review status: criteria provided, single submitter. Criteria: EGL Classification Definitions 2015. Collection method: clinical testing. Allele origin: germline. Observed: 91 variant alleles, 46 heterozygotes, 45 homozygotes.

Breakthrough Genomics
Classification: Likely benign. Review status: criteria provided, single submitter. Criteria: ACMG Guidelines, 2015. Collection method: not provided. Allele origin: germline. Inheritance: Autosomal recessive inheritance. Affected: yes.

PreventionGenetics, part of Exact Sciences
Classification: Likely benign. Review status: criteria provided, single submitter. Criteria: ACMG Guidelines, 2015. Collection method: clinical testing. Allele origin: germline.